The following is an entry in ClinVar:

ClinVar aggregate classification (germline): Uncertain significance. Review status: criteria provided, single submitter (1 of 4 stars). 2 submissions from 2 submitters: Uncertain significance (1). 1 of the submissions does not count toward it. Last evaluated 2025-09-14.

Allele frequency attached by ClinVar (database versions not stated): gnomAD 0.00019 and 0.00016; gnomAD exomes 0.00012; ExAC 0.00014; 1000 Genomes Project 30x 0.00016; 1000 Genomes Project 0.00020; ESP Exome Variant Server 0.00023; TOPMed 0.00032.
gnomAD v4.1: 202 of 1,614,034 alleles (0.013%); highest among the groups gnomAD compares: Admixed American, 0.033%; no homozygotes.

Submissions (2):

Labcorp Genetics (formerly Invitae), Labcorp
Classification: Uncertain significance. Last evaluated: 2025-09-14. Review status: criteria provided, single submitter. Criteria: Invitae Variant Classification Sherloc (09022015). Collection method: clinical testing. Allele origin: germline.
Comment: This sequence change replaces methionine, which is neutral and non-polar, with valine, which is neutral and non-polar, at codon 205 of the SLC36A2 protein (p.Met205Val). This variant is present in population databases (rs143611303, gnomAD 0.03%). This variant has not been reported in the literature in individuals affected with SLC36A2-related conditions. ClinVar contains an entry for this variant (Variation ID: 1049228). Invitae Evidence Modeling of protein sequence and biophysical properties (such as structural, functional, and spatial information, amino acid conservation, physicochemical variation, residue mobility, and thermodynamic stability) indicates that this missense variant is not expected to disrupt SLC36A2 protein function with a negative predictive value of 80%. In summary, the available evidence is currently insufficient to determine the role of this variant in disease. Therefore, it has been classified as a Variant of Uncertain Significance.

Department of Pathology and Laboratory Medicine, Sinai Health System
Classification: Uncertain significance. Review status: no assertion criteria provided. Collection method: clinical testing. Allele origin: unknown. Affected: yes. Study: The Canadian Open Genetics Repository (COGR). Not counted in ClinVar's aggregate classification.
Comment: The SLC36A2 p.Met205Val variant was not identified in the literature nor was it identified in ClinVar, Cosmic or LOVD 3.0. The variant was identified in dbSNP (ID: rs143611303) and in control databases in 37 of 282824 chromosomes at a frequency of 0.000131 (Genome Aggregation Database Feb 27, 2017). The variant was observed in the following populations: European (non-Finnish) in 33 of 129140 chromosomes (freq: 0.000256), European (Finnish) in 2 of 25120 chromosomes (freq: 0.00008) and Latino in 2 of 35436 chromosomes (freq: 0.000056), while the variant was not observed in the African, Ashkenazi Jewish, East Asian, Other, and South Asian populations. The p.Met205 residue is conserved in mammals and computational analyses (PolyPhen-2, SIFT, AlignGVGD, BLOSUM, MutationTaster) provide inconsistent predictions regarding the impact to the protein; this information is not very predictive of pathogenicity. The variant occurs outside of the splicing consensus sequence and in silico or computational prediction software programs (SpliceSiteFinder, MaxEntScan, NNSPLICE, GeneSplicer) do not predict a difference in splicing. In summary, based on the above information the clinical significance of this variant cannot be determined with certainty at this time. This variant is classified as a variant of uncertain significance.

NM_181776.3(SLC36A2):c.613A>G (p.Met205Val)

Gene: SLC36A2 (solute carrier family 36 member 2; minus strand). Cytogenetic location: 5q33.1.
Variant type: single nucleotide variant.
Coding change: c.613A>G on transcript NM_181776.3 (MANE Select); coding-DNA position 613, A replaced by G.
Protein change: p.Met205Val; replaces methionine 205 with valine.
Molecular consequence: missense variant.
Genome position (GRCh38, 1-based): chr5:151,335,460, T>C on the plus strand (A>G on the coding strand, the complement: SLC36A2 is on the minus strand). VCF-style: chr5-151335460-T-C. GRCh37 (hg19) VCF-style: chr5-150715021-T-C.
Other names: short protein forms M205V.
Identifiers: ClinVar variation 1049228 (VCV001049228.3), dbSNP rs143611303, ClinGen allele CA3518786.